The following is an entry in ClinVar:

NM_014141.6(CNTNAP2):c.2098+232G>T

Gene: CNTNAP2 (contactin associated protein 2; plus strand). Cytogenetic location: 7q35.
Variant type: single nucleotide variant.
Coding change: c.2098+232G>T on transcript NM_014141.6 (MANE Select); 232 bases into the intron after coding-DNA position 2098, G replaced by T.
Molecular consequence: intron variant.
Genome position (GRCh38, 1-based): chr7:147,639,538, G>T. VCF-style: chr7-147639538-G-T. GRCh37 (hg19) VCF-style: chr7-147336630-G-T.
Identifiers: ClinVar variation 677513 (VCV000677513.1), dbSNP rs13438666, ClinGen allele CA168754393.

ClinVar aggregate classification (germline): Benign (1 of 4 stars; one submission).

Allele frequency attached by ClinVar (database versions not stated): gnomAD 0.02786 and 0.03007; 1000 Genomes Project 0.02815; 1000 Genomes Project 30x 0.03092; TOPMed 0.03131.
gnomAD v4.1: 4,203 of 152,284 alleles (2.8%); highest among the groups gnomAD compares: African/African-American, 9.6%; 195 homozygotes.

Submission:

GeneDx
Classification: Benign. Last evaluated: 2018-06-16. Review status: criteria provided, single submitter. Criteria: GeneDx Variant Classification (06012015). Collection method: clinical testing. Allele origin: germline. Affected: yes.
Comment: This variant is considered likely benign or benign based on one or more of the following criteria: it is a conservative change, it occurs at a poorly conserved position in the protein, it is predicted to be benign by multiple in silico algorithms, and/or has population frequency not consistent with disease.